The following is an entry in ClinVar:

NM_024685.4(BBS10):c.1724del (p.Pro575fs)

Gene: BBS10 (Bardet-Biedl syndrome 10; minus strand). Cytogenetic location: 12q21.2.
Variant type: Deletion.
Coding change: c.1724del on transcript NM_024685.4 (MANE Select); coding-DNA position 1724, one base deleted (C; older notation c.1724delC).
Protein change: p.Pro575fs; shifts the reading frame from proline 575.
Molecular consequence: frameshift variant.
Genome position (GRCh38, 1-based): chr12:76,346,261, G deleted on the plus strand (C on the coding strand, the reverse complement: BBS10 is on the minus strand); the first of 2 consecutive G bases (chr12:76,346,261-76,346,262); deleting either gives the same sequence. VCF-style (leftmost placement, unchanged base first): chr12-76346260-TG-T. GRCh37 (hg19) VCF-style: chr12-76740040-TG-T.
Other names: c.1724del, p.Pro575fs (LRG_1255t1); short protein forms P575fs.
Identifiers: ClinVar variation 370772 (VCV000370772.7), dbSNP rs1057516754, ClinGen allele CA16041576.

ClinVar aggregate classification (germline): Pathogenic/Likely pathogenic. Review status: criteria provided, multiple submitters, no conflicts (2 of 4 stars). 3 submissions from 3 submitters: Pathogenic (1); Likely pathogenic (1). 1 of the submissions does not count toward it. Last evaluated 2023-04-11.

Conditions:
Bardet-Biedl syndrome (BBS). Identifiers: Orphanet 110, MedGen C0752166, MONDO:0015229.
Bardet-Biedl syndrome 10 (BBS10). Identifiers: Orphanet 110, MedGen C1859568, MONDO:0014438, OMIM 615987.

Submissions (3):

Baylor Genetics
Classification: Likely pathogenic for Bardet-Biedl syndrome 10. Last evaluated: 2023-04-11. Review status: criteria provided, single submitter. Criteria: ACMG Guidelines, 2015. Collection method: clinical testing. Allele origin: unknown.

Labcorp Genetics (formerly Invitae), Labcorp
Classification: Pathogenic for Bardet-Biedl syndrome. Last evaluated: 2023-04-11. Review status: criteria provided, single submitter. Criteria: Invitae Variant Classification Sherloc (09022015). Collection method: clinical testing. Allele origin: germline.
Comment: For these reasons, this variant has been classified as Pathogenic. This sequence change creates a premature translational stop signal (p.Pro575Glnfs*2) in the BBS10 gene. While this is not anticipated to result in nonsense mediated decay, it is expected to disrupt the last 149 amino acid(s) of the BBS10 protein. This variant is present in population databases (no rsID available, gnomAD 0.0009%). This variant has not been reported in the literature in individuals affected with BBS10-related conditions. ClinVar contains an entry for this variant (Variation ID: 370772). This variant disrupts a region of the BBS10 protein in which other variant(s) (p.Val707*) have been determined to be pathogenic (PMID: 20472660, 22773737, 25982971, 27486776). This suggests that this is a clinically significant region of the protein, and that variants that disrupt it are likely to be disease-causing.

Counsyl
Classification: Likely pathogenic for Bardet-Biedl syndrome 10. Last evaluated: 2016-04-13. Review status: no assertion criteria provided. Collection method: clinical testing. Allele origin: unknown. Not counted in ClinVar's aggregate classification.

Literature cited by the submitters: PubMed 20472660 (cited by Labcorp Genetics (formerly Invitae), Labcorp); PubMed 22773737 (cited by Labcorp Genetics (formerly Invitae), Labcorp); PubMed 25982971 (cited by Labcorp Genetics (formerly Invitae), Labcorp); PubMed 27486776 (cited by Labcorp Genetics (formerly Invitae), Labcorp).